The following continues an entry in ClinVar:

NM_000059.4(BRCA2):c.5946del (p.Ser1982fs)

Gene: BRCA2. ClinVar aggregate classification (germline): Pathogenic. Pathogenic (1).

Submissions 33 to 47 of 88:

Johns Hopkins Genomics, Johns Hopkins University
Classification: Pathogenic for Breast-ovarian cancer, familial, susceptibility to, 2. Last evaluated: 2022-05-03. Review status: criteria provided, single submitter. Criteria: ACMG Guidelines, 2015. Collection method: clinical testing. Allele origin: germline. Not counted in ClinVar's aggregate classification.
Comment: This variant (rs28897738) has been reported in the literature in association with a variety of BRCA2-related cancer conditions that are inherited in a dominant or recessive manner. It is known as a founder mutation in the Ashkenazi Jewish population and has also been observed in individuals of non-Ashkenazi Jewish descent. It is rare (<0.1%) in a large population dataset (gnomAD: 78/282088 total alleles; 0.0277%; no homozygotes) and has been reported in ClinVar(Variation ID 9325). This frameshift variant results in a premature stop codon in exon 11, likely leading to nonsense-mediated decay and lack of protein production and has supporting functional evidence. We consider this variant to be pathogenic.

New York Genome Center
Classification: Pathogenic for Breast-ovarian cancer, familial, susceptibility to, 2. Last evaluated: 2022-03-31. Review status: criteria provided, single submitter. Criteria: NYGC Assertion Criteria 2020. Collection method: clinical testing. Allele origin: germline. Observed: 2 heterozygotes. Clinical features observed: Hyperlipidemia (HP:0003077), Diabetes mellitus (HP:0000819), Hepatic steatosis (HP:0001397). Not counted in ClinVar's aggregate classification.
Comment: The c.5946del, p.Ser1982ArgfsTer22 missense variant identified in BRCA2, also known as c.6174delT, results in a frameshift and premature termination of the protein. The p.Ser1982ArgfsTer22 variant is a founder variant in the BRCA2 gene that is prevalent in the Ashkenazi Jewish and Icelandic populations, and has been previously reported as a heterozygous change in multiple individuals with a personal or family history of breast and/or ovarian cancer, among other types of cancer (PMID: 20301425, 29084914, 29433453, 29321669, 28767289). Based on the available evidence, the c.5946delT, p.Ser1982ArgfsTer22 variant is classified as pathogenic.

St. Jude Molecular Pathology, St. Jude Children's Research Hospital
Classification: Pathogenic for Hereditary breast ovarian cancer syndrome. Last evaluated: 2022-03-22. Review status: criteria provided, single submitter. Criteria: St. Jude Assertion Criteria 2020. Collection method: clinical testing. Allele origin: germline. Not counted in ClinVar's aggregate classification.
Comment: The BRCA2 c.5946del (p.Ser1982ArgfsTer22) change causes a frameshift and the creation of a premature stop codon. This change is predicted to cause protein truncation or absence of the protein due to nonsense mediated decay (PVS1). This variant has a maximum subpopulation frequency of 0.59% in gnomAD v2.1.1, where it is primarily found in the Ashkenazi Jewish population. This variant has been reported in multiple individuals with breast cancer and/or ovarian cancer (PMID: 8673092, 9042909, 9150153, 15994883, 22430266, 30152102). It is a well-established pathogenic founder variant in the Ashkenazi Jewish population (PMID: 9042909, 22430266). This alteration is also known as 6174delT in the literature. In summary, this variant meets criteria to be classified as pathogenic based on the ACMG/AMP criteria: PVS1, PS4.

CHEO Genetics Diagnostic Laboratory, Children's Hospital of Eastern Ontario
Classification: Pathogenic for Breast and/or ovarian cancer. Last evaluated: 2022-03-06. Review status: criteria provided, single submitter. Criteria: ACMG Guidelines, 2015. Collection method: clinical testing. Allele origin: germline. Study: Canadian Open Genetics Repository. Not counted in ClinVar's aggregate classification.

National Health Laboratory Service, Universitas Academic Hospital and University of the Free State
Classification: Pathogenic for Hereditary breast ovarian cancer syndrome. Last evaluated: 2021-11-16. Review status: criteria provided, single submitter. Criteria: ACMG Guidelines, 2015. Collection method: clinical testing. Allele origin: germline. Affected: yes. Observed: 1 variant allele. Not counted in ClinVar's aggregate classification.

Institute for Clinical Genetics, University Hospital TU Dresden, University Hospital TU Dresden
Classification: Pathogenic. Last evaluated: 2021-11-03. Review status: criteria provided, single submitter. Criteria: ACMG Guidelines, 2015. Collection method: clinical testing. Allele origin: germline. Not counted in ClinVar's aggregate classification.

Sema4
Classification: Pathogenic for Hereditary cancer-predisposing syndrome. Last evaluated: 2021-10-23. Review status: criteria provided, single submitter. Criteria: Sema4 Curation Guidelines. Collection method: curation. Allele origin: germline. Not counted in ClinVar's aggregate classification.
Comment: The BRCA2 c.5946delT (p.S1982RfsX22) variant is a well characterized pathogenic variant that has been associated with autosomal dominant hereditary breast and ovarian cancer syndrome (PMID: 9042909). This variant is also known as 6174delT in the literature. This variant is a founder pathogenic variant in the Ashkenazi Jewish population (PMID: 9042909, 9150153) and it has been reported in individuals of other ethnicities as well (PMID: 8758903, 10417300). This variant causes a frameshift at amino acid 1982 that results in premature termination 22 amino acids downstream. This variant is expected to result in an absent or non-functional protein product (loss of function). Loss of function variants in BRCA2 are known to be pathogenic (PMID: 29446198). This variant was observed in 61/10364 chromosomes in the Ashkenazi Jewish subpopulation, with no homozygotes, according to the Genome Aggregation Database (PMID: 32461654) and has been reported in ClinVar (Variation ID: 9325). Based on the current evidence available, this variant was interpreted as pathogenic.

Institute of Medical Genetics and Applied Genomics, University Hospital Tübingen
Classification: Pathogenic. Last evaluated: 2021-06-17. Review status: criteria provided, single submitter. Criteria: ACMG Guidelines, 2015. Collection method: clinical testing. Allele origin: germline. Inheritance: Autosomal dominant inheritance. Affected: yes. Not counted in ClinVar's aggregate classification.

Division Of Personalized Genomic Medicine, Columbia University Irving Medical Center
Classification: Pathogenic for Breast-ovarian cancer, familial, susceptibility to, 2. Last evaluated: 2021-03-09. Review status: criteria provided, single submitter. Criteria: ACMG Guidelines, 2015. Collection method: clinical testing. Allele origin: unknown. Inheritance: Autosomal dominant inheritance. Observed: 1 heterozygote. Not counted in ClinVar's aggregate classification.

Institute of Human Genetics, University of Leipzig Medical Center
Classification: Pathogenic for Breast-ovarian cancer, familial, susceptibility to, 2. Last evaluated: 2021-01-04. Review status: criteria provided, single submitter. Criteria: ACMG Guidelines, 2015. Collection method: clinical testing. Allele origin: unknown. Affected: yes. Not counted in ClinVar's aggregate classification.

Department of Pediatrics, Memorial Sloan Kettering Cancer Center
Classification: Pathogenic for Breast-ovarian cancer, familial, susceptibility to, 2. Last evaluated: 2020-12-15. Review status: criteria provided, single submitter. Criteria: ACMG Guidelines, 2015. Collection method: research. Allele origin: germline. Affected: no. Not counted in ClinVar's aggregate classification.

GeneDx
Classification: Pathogenic. Last evaluated: 2020-06-11. Review status: criteria provided, single submitter. Criteria: GeneDx Variant Classification Process June 2021. Collection method: clinical testing. Allele origin: germline. Affected: yes. Not counted in ClinVar's aggregate classification.
Comment: Common founder variant in the Ashkenazi Jewish population (Oddoux 1996); Frameshift variant predicted to result in protein truncation or nonsense mediated decay in a gene for which loss-of-function is a known mechanism of disease; Published functional studies demonstrate a damaging effect: increased sensitivity to MMC, decreased HDR, and increased centrosome amplification compared to wild-type (Wu 2005); Observed in approximately 1% of the Ashkenazi Jewish population (Oddoux 1996); Truncating variants in this gene are considered pathogenic by a well-established clinical consortium and/or database; Also known as 6174delT; This variant is associated with the following publications: (PMID: 20736950, 20887823, 28049106, 28291774, 30620386, 27836010, 23633455, 15695382, 19188187, 22703879, 22009639, 22430266, 23658460, 23341105, 22006311, 21324516, 8673091, 25980754, 26440929, 27425403, 14559878, 26681312, 29321669, 29339979, 29433453, 29368341, 29084914, 27989354, 29907814, 26556299, 10464624, 28767289, 8841192, 29161300, 29439820, 30274973, 30152102, 29506128, 30122538, 30716324, 30186769, 30720243, 29961768, 30702160, 29978187, 30322717, 29937315, 30113427, 30489631, 31263054, 31444830, 32438681, 31512090, 29625052, 26689913, 31447099, 31948886, 34308366, 10739756, 10733239, 34399810, 33077847, 31589614, 32853339, 32341426, 32719484, 32885271, 32338768, 30787465, 30613976, 33087929)

Genetics and Molecular Pathology, SA Pathology
Classification: Pathogenic for Breast-ovarian cancer, familial, susceptibility to, 2. Last evaluated: 2020-04-17. Review status: criteria provided, single submitter. Criteria: ACMG Guidelines, 2015. Collection method: clinical testing. Allele origin: germline. Affected: yes. Not counted in ClinVar's aggregate classification.

Women's Health and Genetics/Laboratory Corporation of America, LabCorp
Classification: Pathogenic for Hereditary breast and ovarian cancer syndrome. Last evaluated: 2019-05-01. Review status: criteria provided, single submitter. Criteria: LabCorp Variant Classification Summary - May 2015. Collection method: clinical testing. Allele origin: germline. Not counted in ClinVar's aggregate classification.
Comment: Variant summary: BRCA2 c.5946delT (p.Ser1982ArgfsX22) results in a premature termination codon, predicted to cause a truncation of the encoded protein or absence of the protein due to nonsense mediated decay, which are commonly known mechanisms for disease. The variant allele was found at a frequency of 0.0002765 in 282088 control chromosomes (gnomAD), which does not exceed the estimated maximal expected allele frequency of a pathogenic BRCA2 variant (0.0007503) and was predominantly observed in the Ashkenazi Jewish subpopulation. This variant is a well-established Ashkenazi Jewish founder mutation. The variant, c.5946delT, has been reported in the literature in multiple individuals affected with Hereditary Breast and Ovarian Cancer (Abeliovich_1997, Friedman_1998). These data indicate that the variant is very likely to be associated with disease. At least one publication reports experimental evidence evaluating an impact on protein function (Wu_2005). Multiple ClinVar submissions after 2014 cite the variant as pathogenic. Based on the evidence outlined above, the variant was classified as pathogenic.

Gharavi Laboratory, Columbia University
Classification: Pathogenic. Last evaluated: 2018-09-16. Review status: criteria provided, single submitter. Criteria: ACMG Guidelines, 2015. Collection method: research. Allele origin: germline. Affected: yes. Not counted in ClinVar's aggregate classification.